The following is an entry in ClinVar:

ClinVar aggregate classification (germline): Likely benign (1 of 4 stars; one submission).

Allele frequency attached by ClinVar (database versions not stated): ExAC 0.00014; gnomAD exomes 0.00015 and 0.00027; gnomAD 0.00019 and 0.00021; ESP Exome Variant Server 0.00023; TOPMed 0.00024.
gnomAD v4.1: 418 of 1,614,066 alleles (0.026%); highest among the groups gnomAD compares: Non-Finnish European, 0.033%; no homozygotes.

Submission:

CeGaT Center for Human Genetics Tuebingen
Classification: Likely benign. Last evaluated: 2025-12-01. Review status: criteria provided, single submitter. Criteria: CeGaT Center For Human Genetics Tuebingen Variant Classification Criteria Version 2. Collection method: clinical testing. Allele origin: germline. Affected: yes. Observed: 2 variant alleles.
Comment: CUX1: BP4, BP7

NM_181552.4(CUX1):c.1779C>T (p.Pro593=)

Gene: CUX1 (cut like homeobox 1; plus strand). Cytogenetic location: 7q22.1.
Variant type: single nucleotide variant.
Coding change: c.1779C>T on transcript NM_181552.4 (MANE Select); coding-DNA position 1779, C replaced by T.
Protein change: p.Pro593=; no amino-acid change (proline 593 retained).
Molecular consequence: synonymous variant. On other transcripts: intron variant (5).
Genome position (GRCh38, 1-based): chr7:102,197,190, C>T. VCF-style: chr7-102197190-C-T. GRCh37 (hg19) VCF-style: chr7-101840470-C-T.
Other names: c.1812C>T, p.Pro604= (NM_001202543.2); c.1255+1587C>T (NM_001913.5); c.1249+1587C>T (NM_181500.4); c.1117+1587C>T (NM_001202545.3); c.1207+1587C>T (NM_001202544.3); c.1138+1587C>T (NM_001202546.3).
Identifiers: ClinVar variation 1335684 (VCV001335684.35), dbSNP rs371513534, ClinGen allele CA4410894.